The following is an entry in ClinVar:

ClinVar aggregate classification (germline): Conflicting classifications of pathogenicity. Review status: criteria provided, conflicting classifications (1 of 4 stars). 4 submissions from 4 submitters: Uncertain significance (1); Likely benign (3). Last evaluated 2026-01-19.

Allele frequency attached by ClinVar (database versions not stated): gnomAD 0.00014 and 0.00018; ESP Exome Variant Server 0.00015; gnomAD exomes 0.00017 and 0.00025; TOPMed 0.00019; ExAC 0.00022.
gnomAD v4.1: 293 of 1,613,672 alleles (0.018%); highest among the groups gnomAD compares: Middle Eastern, 0.64%; 1 homozygote.

Submissions (4):

Labcorp Genetics (formerly Invitae), Labcorp
Classification: Likely benign. Last evaluated: 2026-01-19. Review status: criteria provided, single submitter. Criteria: Invitae Variant Classification Sherloc (09022015). Collection method: clinical testing. Allele origin: germline.

Blueprint Genetics
Classification: Likely benign. Last evaluated: 2024-08-26. Review status: criteria provided, single submitter. Criteria: ACMG Guidelines, 2015. Collection method: clinical testing. Allele origin: germline.

CeGaT Center for Human Genetics Tuebingen
Classification: Likely benign. Last evaluated: 2022-10-01. Review status: criteria provided, single submitter. Criteria: CeGaT Center For Human Genetics Tuebingen Variant Classification Criteria Version 2. Collection method: clinical testing. Allele origin: germline. Affected: yes. Observed: 2 variant alleles.
Comment: SKIC3: BP4, BP7

Eurofins Ntd Llc (ga)
Classification: Uncertain significance. Last evaluated: 2015-10-28. Review status: criteria provided, single submitter. Criteria: EGL Classification Definitions 2015. Collection method: clinical testing. Allele origin: germline. Observed: 1 variant allele, 1 heterozygote.

NM_014639.4(SKIC3):c.3603A>G (p.Arg1201=)

Gene: SKIC3 (SKI3 subunit of superkiller complex; minus strand). Cytogenetic location: 5q15.
Variant type: single nucleotide variant.
Coding change: c.3603A>G on transcript NM_014639.4 (MANE Select); coding-DNA position 3603, A replaced by G.
Protein change: p.Arg1201=; no amino-acid change (arginine 1201 retained).
Molecular consequence: synonymous variant.
Genome position (GRCh38, 1-based): chr5:95,497,449, T>C on the plus strand (A>G on the coding strand, the complement: SKIC3 is on the minus strand). VCF-style: chr5-95497449-T-C. GRCh37 (hg19) VCF-style: chr5-94833153-T-C.
Identifiers: ClinVar variation 284437 (VCV000284437.49), dbSNP rs376083373, ClinGen allele CA3346673.
Genomic context (GRCh38, chr5:95,497,449, plus strand): 5'-TTGCTAGAATTTGAAACGTTACTTTACCTTTGCATTTCGTTGAGCATACTGTGCAACAAC[T>C]CGAGACAACAGAGACCAAAGAGCAGGGTCACCAGGGTTGCTAAAGGAATCAAAAGTAGCA-3'
Protein context (NP_055454.1, residues 1191-1211): GDPALWSLLS[Arg1201=]VVAQYAQRNA